The following is an entry in ClinVar:

ClinVar aggregate classification (germline): Uncertain significance (1 of 4 stars; one submission).

Conditions:
Inborn genetic diseases. Identifiers: MedGen C0950123, MeSH D030342.

Submission:

Ambry Genetics
Classification: Uncertain significance for Inborn genetic diseases. Last evaluated: 2025-02-27. Review status: criteria provided, single submitter. Criteria: Ambry Variant Classification Scheme 2023. Collection method: clinical testing. Allele origin: germline.
Comment: The p.E168V variant (also known as c.503A>T), located in coding exon 1 of the SH2B3 gene, results from an A to T substitution at nucleotide position 503. The glutamic acid at codon 168 is replaced by valine, an amino acid with dissimilar properties. This amino acid position is conserved. In addition, this alteration is predicted to be tolerated by in silico analysis. Based on the available evidence, the clinical significance of this variant remains unclear.

NM_005475.3(SH2B3):c.503A>T (p.Glu168Val)

Gene: SH2B3 (SH2B adaptor protein 3; plus strand). Cytogenetic location: 12q24.12.
Variant type: single nucleotide variant.
Coding change: c.503A>T on transcript NM_005475.3 (MANE Select); coding-DNA position 503, A replaced by T.
Protein change: p.Glu168Val; replaces glutamic acid 168 with valine.
Molecular consequence: missense variant.
Genome position (GRCh38, 1-based): chr12:111,418,648, A>T. VCF-style: chr12-111418648-A-T. GRCh37 (hg19) VCF-style: chr12-111856452-A-T.
Other names: short protein forms E168V.
Identifiers: ClinVar variation 3795224 (VCV003795224.1).
Genomic context (GRCh38, chr12:111,418,648, plus strand): 5'-GCCGCTCGGCCGGGGAGCTGCCAGCGGCCCACACCGCTGCCGCCCCCGGGACCCCCGGAG[A>T]GGCTGCTGAGACCCCCGCCCGGCCTGGCCTGGCCAAGAAGTTCCTGCCCTGGAGCCTGGC-3'
Protein context (NP_005466.1, residues 158-178): HTAAAPGTPG[Glu168Val]AAETPARPGL